The following is an entry in ClinVar:

ClinVar aggregate classification (germline): Likely benign (1 of 4 stars; one submission).

gnomAD v4.1: 7 of 1,612,734 alleles (0.00043%); highest among the groups gnomAD compares: African/African-American, 0.0081%; no homozygotes.

Submission:

CeGaT Center for Human Genetics Tuebingen
Classification: Likely benign. Last evaluated: 2025-07-01. Review status: criteria provided, single submitter. Criteria: CeGaT Center For Human Genetics Tuebingen Variant Classification Criteria Version 2. Collection method: clinical testing. Allele origin: germline. Affected: yes. Observed: 1 variant allele.
Comment: MUC17: BP4, BP7

NM_001040105.2(MUC17):c.4788C>T (p.Thr1596=)

Gene: MUC17 (mucin 17, cell surface associated; plus strand). Cytogenetic location: 7q22.1.
Variant type: single nucleotide variant.
Coding change: c.4788C>T on transcript NM_001040105.2 (MANE Select); coding-DNA position 4788, C replaced by T.
Protein change: p.Thr1596=; no amino-acid change (threonine 1596 retained).
Molecular consequence: synonymous variant. On other transcripts: non-coding transcript variant (1).
Genome position (GRCh38, 1-based): chr7:101,036,204, C>T. VCF-style: chr7-101036204-C-T. GRCh37 (hg19) VCF-style: chr7-100679485-C-T.
Identifiers: ClinVar variation 4084477 (VCV004084477.8).